The following is an entry in ClinVar:

ClinVar aggregate classification (germline): Uncertain significance (1 of 4 stars; one submission).

Allele frequency attached by ClinVar (database versions not stated): gnomAD exomes below 0.00001.
gnomAD v4.1: 1 of 1,611,444 alleles (0.000062%); highest among the groups gnomAD compares: Non-Finnish European, 0.000085%; no homozygotes.

Submission:

Labcorp Genetics (formerly Invitae), Labcorp
Classification: Uncertain significance. Last evaluated: 2021-06-25. Review status: criteria provided, single submitter. Criteria: Invitae Variant Classification Sherloc (09022015). Collection method: clinical testing. Allele origin: germline.
Comment: In summary, the available evidence is currently insufficient to determine the role of this variant in disease. Therefore, it has been classified as a Variant of Uncertain Significance. Advanced modeling of protein sequence and biophysical properties (such as structural, functional, and spatial information, amino acid conservation, physicochemical variation, residue mobility, and thermodynamic stability) performed at Invitae indicates that this missense variant is expected to disrupt SI protein function. This variant has not been reported in the literature in individuals with SI-related conditions. This variant is not present in population databases (ExAC no frequency). This sequence change replaces glycine with valine at codon 788 of the SI protein (p.Gly788Val). The glycine residue is moderately conserved and there is a moderate physicochemical difference between glycine and valine.

NM_001041.4(SI):c.2363G>T (p.Gly788Val)

Gene: SI (sucrase-isomaltase; minus strand). Cytogenetic location: 3q26.1.
Variant type: single nucleotide variant.
Coding change: c.2363G>T on transcript NM_001041.4 (MANE Select); coding-DNA position 2363, G replaced by T.
Protein change: p.Gly788Val; replaces glycine 788 with valine.
Molecular consequence: missense variant.
Genome position (GRCh38, 1-based): chr3:165,037,963, C>A on the plus strand (G>T on the coding strand, the complement: SI is on the minus strand). VCF-style: chr3-165037963-C-A. GRCh37 (hg19) VCF-style: chr3-164755751-C-A.
Other names: short protein forms G788V.
Identifiers: ClinVar variation 1431771 (VCV001431771.7), dbSNP rs865803822, ClinGen allele CA355048412.